The following is an entry in ClinVar:

ClinVar aggregate classification (germline): Uncertain significance (1 of 4 stars; one submission).

Conditions:
Pitt-Hopkins-like syndrome 2 (PTHSL2). Identifiers: Orphanet 221150, Orphanet 600663, MedGen C3280479, MONDO:0013690, OMIM 614325.

Submission:

Labcorp Genetics (formerly Invitae), Labcorp
Classification: Uncertain significance for Pitt-Hopkins-like syndrome 2. Last evaluated: 2023-02-16. Review status: criteria provided, single submitter. Criteria: Invitae Variant Classification Sherloc (09022015). Collection method: clinical testing. Allele origin: germline.
Comment: This sequence change replaces phenylalanine, which is neutral and non-polar, with cysteine, which is neutral and slightly polar, at codon 914 of the NRXN1 protein (p.Phe914Cys). This variant is not present in population databases (gnomAD no frequency). This variant has not been reported in the literature in individuals affected with NRXN1-related conditions. An algorithm developed to predict the effect of missense changes on protein structure and function (PolyPhen-2) suggests that this variant is likely to be disruptive. In summary, the available evidence is currently insufficient to determine the role of this variant in disease. Therefore, it has been classified as a Variant of Uncertain Significance.

NM_001330078.2(NRXN1):c.2621T>G (p.Phe874Cys)

Gene: NRXN1 (neurexin 1; minus strand). Cytogenetic location: 2p16.3.
Variant type: single nucleotide variant.
Coding change: c.2621T>G on transcript NM_001330078.2 (MANE Select); coding-DNA position 2621, T replaced by G.
Protein change: p.Phe874Cys; replaces phenylalanine 874 with cysteine.
Molecular consequence: missense variant.
Genome position (GRCh38, 1-based): chr2:50,497,591, A>C on the plus strand (T>G on the coding strand, the complement: NRXN1 is on the minus strand). VCF-style: chr2-50497591-A-C. GRCh37 (hg19) VCF-style: chr2-50724729-A-C.
Other names: c.2741T>G, p.Phe914Cys (NM_001135659.3); c.2597T>G, p.Phe866Cys (NM_001330077.2, NM_001330082.2); c.2555T>G, p.Phe852Cys (NM_001330083.2, NM_001330084.2); c.2594T>G, p.Phe865Cys (NM_001330085.2); c.2621T>G, p.Phe874Cys (NM_001330086.2, NM_004801.6); c.2510T>G, p.Phe837Cys (NM_001330087.2, NM_001330096.2); c.2540T>G, p.Phe847Cys (NM_001330088.2); c.2618T>G, p.Phe873Cys (NM_001330093.2); and 2 more; short protein forms F852C, F857C, F866C, F870C, F865C, F914C, F837C, F847C.
Identifiers: ClinVar variation 2792387 (VCV002792387.3), dbSNP rs2468915219, ClinGen allele CA346777249.